The following is an entry in ClinVar:

NM_032380.5(GFM2):c.71G>A (p.Cys24Tyr)

Gene: GFM2 (GTP dependent ribosome recycling factor mitochondrial 2; minus strand). Cytogenetic location: 5q13.3.
Variant type: single nucleotide variant.
Coding change: c.71G>A on transcript NM_032380.5 (MANE Select); coding-DNA position 71, G replaced by A.
Protein change: p.Cys24Tyr; replaces cysteine 24 with tyrosine.
Molecular consequence: missense variant. On other transcripts: non-coding transcript variant (1).
Genome position (GRCh38, 1-based): chr5:74,760,979, C>T on the plus strand (G>A on the coding strand, the complement: GFM2 is on the minus strand). VCF-style: chr5-74760979-C-T. GRCh37 (hg19) VCF-style: chr5-74056804-C-T.
Other names: c.71G>A (NM_032380.3); c.167G>A, p.Cys56Tyr (NM_001281302.2); c.71G>A, p.Cys24Tyr (NM_170681.3, NM_170691.3); short protein forms C24Y, C56Y.
Identifiers: ClinVar variation 2246003 (VCV002246003.7), dbSNP rs1744254771, ClinGen allele CA360064315.

ClinVar aggregate classification (germline): Uncertain significance. Review status: criteria provided, multiple submitters, no conflicts (2 of 4 stars). 2 submissions from 2 submitters: Uncertain significance (2). Last evaluated 2022-07-13.

Conditions:
Inborn genetic diseases. Identifiers: MedGen C0950123, MeSH D030342.

Allele frequency attached by ClinVar (database versions not stated): gnomAD exomes below 0.00001; TOPMed below 0.00001; gnomAD 0.00001.

Submissions (2):

Labcorp Genetics (formerly Invitae), Labcorp
Classification: Uncertain significance. Last evaluated: 2022-07-13. Review status: criteria provided, single submitter. Criteria: Invitae Variant Classification Sherloc (09022015). Collection method: clinical testing. Allele origin: germline.
Comment: In summary, the available evidence is currently insufficient to determine the role of this variant in disease. Therefore, it has been classified as a Variant of Uncertain Significance. Algorithms developed to predict the effect of missense changes on protein structure and function output the following: SIFT: "Tolerated"; PolyPhen-2: "Benign"; Align-GVGD: "Class C0". The tyrosine amino acid residue is found in multiple mammalian species, which suggests that this missense change does not adversely affect protein function. This variant has not been reported in the literature in individuals affected with GFM2-related conditions. This variant is not present in population databases (gnomAD no frequency). This sequence change replaces cysteine, which is neutral and slightly polar, with tyrosine, which is neutral and polar, at codon 24 of the GFM2 protein (p.Cys24Tyr).

Ambry Genetics
Classification: Uncertain significance for Inborn genetic diseases. Last evaluated: 2021-08-17. Review status: criteria provided, single submitter. Criteria: Ambry Variant Classification Scheme 2023. Collection method: clinical testing. Allele origin: germline.